The following is an entry in ClinVar:

ClinVar aggregate classification (germline): Uncertain significance (1 of 4 stars; one submission).

gnomAD v4.1: 1 of 1,614,198 alleles (0.000062%); no homozygotes.

Submission:

GeneDx
Classification: Uncertain significance. Last evaluated: 2026-02-07. Review status: criteria provided, single submitter. Criteria: GeneDx Variant Classification Process June 2021. Collection method: clinical testing. Allele origin: germline.
Comment: Not observed at significant frequency in large population cohorts (gnomAD); In silico analysis suggests that this missense variant does not alter protein structure/function; Has not been previously published as pathogenic or benign to our knowledge

NM_018133.4(MSL2):c.979T>C (p.Ser327Pro)

Gene: MSL2 (MSL complex subunit 2; minus strand). Cytogenetic location: 3q22.3.
Variant type: single nucleotide variant.
Coding change: c.979T>C on transcript NM_018133.4 (MANE Select); coding-DNA position 979, T replaced by C.
Protein change: p.Ser327Pro; replaces serine 327 with proline.
Molecular consequence: missense variant.
Genome position (GRCh38, 1-based): chr3:136,151,902, A>G on the plus strand (T>C on the coding strand, the complement: MSL2 is on the minus strand). VCF-style: chr3-136151902-A-G. GRCh37 (hg19) VCF-style: chr3-135870744-A-G.
Other names: c.757T>C, p.Ser253Pro (NM_001145417.2); short protein forms S253P, S327P.
Identifiers: ClinVar variation 4975964 (VCV004975964.1).